The following is an entry in ClinVar:

NM_000538.4(RFXAP):c.430G>A (p.Glu144Lys)

Genes: RFXAP (regulatory factor X associated protein; plus strand), LOC130009574 (ATAC-STARR-seq lymphoblastoid active region 7589; plus strand). Cytogenetic location: 13q13.3.
Variant type: single nucleotide variant.
Coding change: c.430G>A on transcript NM_000538.4 (MANE Select); coding-DNA position 430, G replaced by A.
Protein change: p.Glu144Lys; replaces glutamic acid 144 with lysine.
Molecular consequence: missense variant.
Genome position (GRCh38, 1-based): chr13:36,819,787, G>A. VCF-style: chr13-36819787-G-A. GRCh37 (hg19) VCF-style: chr13-37393924-G-A.
Other names: short protein forms E144K.
Identifiers: ClinVar variation 311788 (VCV000311788.15), dbSNP rs201754085, ClinGen allele CA6950211.
Genomic context (GRCh38, chr13:36,819,787, plus strand): 5'-AGCGGGGGCGCCCGGAGGCGGGGCAGCGGTGGGGGCAGCATGAGCAAGACCTGCACCTAC[G>A]AAGGCTGCAGCGAGACCACGAGCCAGGTGGCCAAGCAGCGCAAACCGTGGATGTGCAAGA-3'
Protein context (NP_000529.1, residues 134-154): GGSMSKTCTY[Glu144Lys]GCSETTSQVA

ClinVar aggregate classification (germline): Benign/Likely benign. Review status: criteria provided, multiple submitters, no conflicts (2 of 4 stars). 2 submissions from 2 submitters: Benign (1); Likely benign (1). Last evaluated 2026-01-20.

Conditions:
MHC class II deficiency. Also called: Bare lymphocyte syndrome 2; BLS, TYPE II. Identifiers: Orphanet 572, MedGen C5447452, MONDO:0008855.

Allele frequency attached by ClinVar (database versions not stated): TOPMed 0.00014; 1000 Genomes Project 30x 0.00062; ExAC 0.00077; gnomAD 0.00009 and 0.00016; gnomAD exomes 0.00012 and 0.00046; 1000 Genomes Project 0.00080.

Submissions (2):

Labcorp Genetics (formerly Invitae), Labcorp
Classification: Benign for MHC class II deficiency. Last evaluated: 2026-01-20. Review status: criteria provided, single submitter. Criteria: Invitae Variant Classification Sherloc (09022015). Collection method: clinical testing. Allele origin: germline.

Illumina Laboratory Services, Illumina
Classification: Likely benign for MHC class II deficiency 1. Last evaluated: 2018-01-12. Review status: criteria provided, single submitter. Criteria: ICSL Variant Classification Criteria 13 December 2019. Collection method: clinical testing. Allele origin: germline.
Comment: This variant was observed in the ICSL laboratory as part of a predisposition screen in an ostensibly healthy population. It had not been previously curated by ICSL or reported in the Human Gene Mutation Database (HGMD: prior to June 1st, 2018), and was therefore a candidate for classification through an automated scoring system. Utilizing variant allele frequency, disease prevalence and penetrance estimates, and inheritance mode, an automated score was calculated to assess if this variant is too frequent to cause the disease. Based on the score and internal cut-off values, a variant classified as likely benign is not then subjected to further curation. The score for this variant resulted in a classification of likely benign for this disease.